The following is an entry in ClinVar:

NM_020738.4(KIDINS220):c.948A>G (p.Thr316=)

Gene: KIDINS220 (kinase D interacting substrate 220; minus strand). Cytogenetic location: 2p25.1.
Variant type: single nucleotide variant.
Coding change: c.948A>G on transcript NM_020738.4 (MANE Select); coding-DNA position 948, A replaced by G.
Protein change: p.Thr316=; no amino-acid change (threonine 316 retained).
Molecular consequence: synonymous variant. On other transcripts: non-coding transcript variant (2).
Genome position (GRCh38, 1-based): chr2:8,798,253, T>C on the plus strand (A>G on the coding strand, the complement: KIDINS220 is on the minus strand). VCF-style: chr2-8798253-T-C. GRCh37 (hg19) VCF-style: chr2-8938383-T-C.
Other names: p.Thr316=; c.951A>G, p.Thr317= (NM_001348729.2, NM_001348731.2, NM_001348734.2 and 3 more transcripts); c.948A>G, p.Thr316= (NM_001348732.2, NM_001348735.2, NM_001348738.2 and 3 more transcripts); c.822A>G, p.Thr274= (NM_001348736.2).
Identifiers: ClinVar variation 741546 (VCV000741546.7), dbSNP rs539594098, ClinGen allele CA1520301.
Genomic context (GRCh38, chr2:8,798,253, plus strand): 5'-CATTTATACCTTTGTGCATATTTCAGTGTCAGGATTGCACTGTAAGATATCTCTCACCAT[T>C]GTTGCATTTCCTTTCTCAACAGCCCAATACAAAGCAGTTTTATTATCCTAGATAATTAAA-3'
Protein context (NP_065789.1, residues 306-326): LYWAVEKGNA[Thr316=]MVRDILQCNP

ClinVar aggregate classification (germline): Likely benign. Review status: criteria provided, multiple submitters, no conflicts (2 of 4 stars). 2 submissions from 2 submitters: Likely benign (2). Last evaluated 2025-11-13.

Allele frequency attached by ClinVar (database versions not stated): gnomAD 0.00011 and 0.00012; 1000 Genomes Project 30x 0.00016; 1000 Genomes Project 0.00020; ExAC 0.00001; gnomAD exomes 0.00001 and 0.00002; TOPMed 0.00006.
gnomAD v4.1: 53 of 1,613,042 alleles (0.0033%); highest among the groups gnomAD compares: African/African-American, 0.056%; 1 homozygote.

Submissions (2):

Labcorp Genetics (formerly Invitae), Labcorp
Classification: Likely benign. Last evaluated: 2025-11-13. Review status: criteria provided, single submitter. Criteria: Invitae Variant Classification Sherloc (09022015). Collection method: clinical testing. Allele origin: germline.

Mayo Clinic Laboratories, Mayo Clinic
Classification: Likely benign. Last evaluated: 2025-05-29. Review status: criteria provided, single submitter. Criteria: ACMG Guidelines, 2015. Collection method: clinical testing. Allele origin: germline. Observed: 1 variant allele.
Comment: BP4, BP7